The following is an entry in ClinVar:

NC_000006.11:g.(?_137187755)_(137193401_?)del

Gene: PEX7 (peroxisomal biogenesis factor 7; plus strand). Cytogenetic location: 6q23.3.
Variant type: Deletion.
Identifiers: ClinVar variation 1070609 (VCV001070609.5).

ClinVar aggregate classification (germline): Pathogenic (1 of 4 stars; one submission).

Conditions:
Peroxisome biogenesis disorder 9B. Also called: PEROXISOME BIOGENESIS DISORDER, PEX7-RELATED, ATYPICAL; PEX7-Related Refsum Disease; Refsum disease, adult, 2. Identifiers: Orphanet 773, MedGen C2749346, MONDO:0013945, OMIM 614879.

Submission:

Labcorp Genetics (formerly Invitae), Labcorp
Classification: Pathogenic for Peroxisome biogenesis disorder 9B. Last evaluated: 2020-01-11. Review status: criteria provided, single submitter. Criteria: Invitae Variant Classification Sherloc (09022015). Collection method: clinical testing. Allele origin: germline.
Comment: For these reasons, this variant has been classified as Pathogenic. Loss-of-function variants in PEX7 are known to be pathogenic (PMID: 12325024, 12522768, 20301447). This variant has not been reported in the literature in individuals with PEX7-related conditions. This variant is an out-of-frame deletion of the genomic region encompassing exon(s) 6-8 of the PEX7 gene. This is expected to create a premature translational stop signal and result in an absent or disrupted protein product.

Literature cited by the submitters: PubMed 12325024; PubMed 12522768; PubMed 20301447.